The following is an entry in ClinVar:

NM_020975.6(RET):c.2607+3G>C

Gene: RET (ret proto-oncogene; plus strand). Cytogenetic location: 10q11.21.
Variant type: single nucleotide variant.
Coding change: c.2607+3G>C on transcript NM_020975.6 (MANE Select); 3 bases into the intron after coding-DNA position 2607, G replaced by C.
Molecular consequence: intron variant.
Genome position (GRCh38, 1-based): chr10:43,119,748, G>C. VCF-style: chr10-43119748-G-C. GRCh37 (hg19) VCF-style: chr10-43615196-G-C.
Other names: c.2607+3G>C (NM_020630.7, NM_001406743.1, NM_001406744.1 and 2 more transcripts); c.2472+3G>C (NM_001406765.1, NM_001406763.1); c.2211+3G>C (NM_001406772.1, NM_001406769.1); c.2169+3G>C (NM_001406773.1, NM_001406771.1); c.1710+3G>C (NM_001406782.1, NM_001406780.1, NM_001406779.1 and 1 more transcripts); c.1575+3G>C (NM_001406787.1); c.1590+3G>C (NM_001406785.1); c.2478+3G>C (NM_001406764.1, NM_001406762.1, NM_001406761.1); and 10 more.
Identifiers: ClinVar variation 232949 (VCV000232949.13), dbSNP rs752538741, ClinGen allele CA10578868.
Genomic context (GRCh38, chr10:43,119,748, plus strand): 5'-CCTCATCTCATTTGCCTGGCAGATCTCACAGGGGATGCAGTATCTGGCCGAGATGAAGGT[G>C]CGTGCATATGGCTCTGCACCCAGCCAGCCCCGGCCAGGCCACACCCTGACCCACCACGCC-3'

ClinVar aggregate classification (germline): Uncertain significance. Review status: criteria provided, multiple submitters, no conflicts (2 of 4 stars). 3 submissions from 3 submitters: Uncertain significance (3). Last evaluated 2025-11-05.

Conditions:
Pheochromocytoma. Also called: MAX-Related Hereditary Paraganglioma-Pheochromocytoma Syndrome. Identifiers: Orphanet 29072, MedGen C0031511, MONDO:0008233, OMIM 171300, HP:0002666.
Hirschsprung disease, susceptibility to, 1 (HSCR1). Also called: RET-Related Hirschsprung Disease. Identifiers: Orphanet 388, MedGen C3888239, MONDO:0007723, OMIM 142623.
Familial medullary thyroid carcinoma (MTC). Also called: Thyroid cancer, familial medullary; MTC, familial; Familial Medullary Thyroid Carcinoma (FMTC). Identifiers: Orphanet 653, Orphanet 99361, MedGen C1833921, MONDO:0007958, OMIM 155240.
Multiple endocrine neoplasia type 2B. Also called: WAGENMANN-FROBOESE SYNDROME; MULTIPLE ENDOCRINE NEOPLASIA, TYPE III; MEN 2B; MUCOSAL NEUROMA SYNDROME; MULTIPLE ENDOCRINE NEOPLASIA, TYPE IIB; MEN IIB. Identifiers: Orphanet 247709, Orphanet 653, MedGen C0025269, MeSH D018814, MONDO:0008082, OMIM 162300.
Multiple endocrine neoplasia type 2A. Also called: MULTIPLE ENDOCRINE NEOPLASIA, TYPE IIA; PTC SYNDROME; SIPPLE SYNDROME; MEN 2A; MEN-2A syndrome; Pheochromocytoma and amyloid producing medullary thyroid carcinoma. Identifiers: Orphanet 247698, Orphanet 653, MedGen C0025268, MeSH D018813, MONDO:0008234, OMIM 171400.
Hereditary cancer-predisposing syndrome. Also called: Tumor predisposition; Hereditary neoplastic syndrome; Neoplastic Syndromes, Hereditary; Hereditary Cancer Syndrome. Identifiers: Orphanet 140162, MedGen C0027672, MeSH D009386, MONDO:0015356.
Multiple endocrine neoplasia, type 2 (MEN2). Identifiers: Orphanet 653, MedGen C4048306, MONDO:0019003. Disease mechanism: gain of function.

Submissions (3):

Labcorp Genetics (formerly Invitae), Labcorp
Classification: Uncertain significance for Multiple endocrine neoplasia, type 2. Last evaluated: 2025-11-05. Review status: criteria provided, single submitter. Criteria: Invitae Variant Classification Sherloc (09022015). Collection method: clinical testing. Allele origin: germline.
Comment: This sequence change falls in intron 14 of the RET gene. It does not directly change the encoded amino acid sequence of the RET protein. It affects a nucleotide within the consensus splice site. This variant is not present in population databases (gnomAD no frequency). This variant has not been reported in the literature in individuals affected with RET-related conditions. ClinVar contains an entry for this variant (Variation ID: 232949). Variants that disrupt the consensus splice site are a relatively common cause of aberrant splicing (PMID: 17576681, 9536098). Algorithms developed to predict the effect of sequence changes on RNA splicing suggest that this variant is not likely to affect RNA splicing. In summary, the available evidence is currently insufficient to determine the role of this variant in disease. Therefore, it has been classified as a Variant of Uncertain Significance.

Ambry Genetics
Classification: Uncertain significance for Hereditary cancer-predisposing syndrome. Last evaluated: 2024-03-13. Review status: criteria provided, single submitter. Criteria: Ambry Variant Classification Scheme 2023. Collection method: clinical testing. Allele origin: germline.
Comment: The c.2607+3G>C intronic variant results from a G to C substitution 3 nucleotides after coding exon 14 in the RET gene. This nucleotide position is not well conserved in available vertebrate species. In silico splice site analysis predicts that this alteration will not have any significant effect on splicing. Since supporting evidence is limited at this time, the clinical significance of this alteration remains unclear.

Fulgent Genetics
Classification: Uncertain significance for Hirschsprung disease, susceptibility to, 1; Familial medullary thyroid carcinoma; Multiple endocrine neoplasia type 2B; Pheochromocytoma; Multiple endocrine neoplasia type 2A. Last evaluated: 2021-10-27. Review status: criteria provided, single submitter. Criteria: ACMG Guidelines, 2015. Collection method: clinical testing. Allele origin: unknown.

Literature cited by the submitters: PubMed 17576681 (cited by Labcorp Genetics (formerly Invitae), Labcorp); PubMed 9536098 (cited by Labcorp Genetics (formerly Invitae), Labcorp).